The following is an entry in ClinVar:

ClinVar aggregate classification (germline): Uncertain significance (1 of 4 stars; one submission).

Conditions:
Hereditary cancer-predisposing syndrome. Also called: Neoplastic Syndromes, Hereditary; Tumor predisposition; Hereditary Cancer Syndrome; Hereditary neoplastic syndrome. Identifiers: Orphanet 140162, MedGen C0027672, MeSH D009386, MONDO:0015356.

Submission:

Ambry Genetics
Classification: Uncertain significance for Hereditary cancer-predisposing syndrome. Last evaluated: 2026-05-15. Review status: criteria provided, single submitter. Criteria: Ambry Variant Classification Scheme 2023. Collection method: clinical testing. Allele origin: germline.
Comment: The p.V921F variant (also known as c.2761G>T), located in coding exon 20 of the KIT gene, results from a G to T substitution at nucleotide position 2761. The valine at codon 921 is replaced by phenylalanine, an amino acid with highly similar properties. This amino acid position is conserved. In addition, this alteration is predicted to be deleterious by in silico analysis. Based on the available evidence, the clinical significance of this variant remains unclear.

NM_000222.3(KIT):c.2761G>T (p.Val921Phe)

Gene: KIT (KIT proto-oncogene, receptor tyrosine kinase; plus strand). Cytogenetic location: 4q12.
Variant type: single nucleotide variant.
Coding change: c.2761G>T on transcript NM_000222.3 (MANE Select); coding-DNA position 2761, G replaced by T.
Protein change: p.Val921Phe; replaces valine 921 with phenylalanine.
Molecular consequence: missense variant.
Genome position (GRCh38, 1-based): chr4:54,737,239, G>T. VCF-style: chr4-54737239-G-T. GRCh37 (hg19) VCF-style: chr4-55603405-G-T.
Other names: c.2749G>T, p.Val917Phe (NM_001093772.2, NM_001385292.1); c.2764G>T, p.Val922Phe (NM_001385284.1); c.2758G>T, p.Val920Phe (NM_001385285.1); c.2746G>T, p.Val916Phe (NM_001385286.1); c.2752G>T, p.Val918Phe (NM_001385288.1); c.2761G>T, p.Val921Phe (NM_001385290.1); short protein forms V916F, V917F, V918F, V920F, V921F, V922F.
Identifiers: ClinVar variation 4858939 (VCV004858939.1).